The following is an entry in ClinVar:

NM_000520.6(HEXA):c.772G>C (p.Asp258His)

Gene: HEXA (hexosaminidase subunit alpha; minus strand). Cytogenetic location: 15q23.
Variant type: single nucleotide variant.
Coding change: c.772G>C on transcript NM_000520.6 (MANE Select); coding-DNA position 772, G replaced by C.
Protein change: p.Asp258His; replaces aspartic acid 258 with histidine.
Molecular consequence: missense variant. On other transcripts: non-coding transcript variant (1).
Genome position (GRCh38, 1-based): chr15:72,350,551, C>G on the plus strand (G>C on the coding strand, the complement: HEXA is on the minus strand). VCF-style: chr15-72350551-C-G. GRCh37 (hg19) VCF-style: chr15-72642892-C-G.
Other names: c.772G>C (NM_000520.5); c.805G>C, p.Asp269His (NM_001318825.2); short protein forms D258H, D269H.
Identifiers: ClinVar variation 3924 (VCV000003924.28), dbSNP rs121907971, ClinGen allele CA116509.

ClinVar aggregate classification (germline): Pathogenic/Likely pathogenic. Review status: criteria provided, multiple submitters, no conflicts (2 of 4 stars). 6 submissions from 6 submitters: Pathogenic (2); Likely pathogenic (3). 1 of the submissions does not count toward it. Last evaluated 2025-12-30.

Conditions:
Tay-Sachs disease (TSD). Also called: GM2 gangliosidosis, type 1; Hexosaminidase alpha-subunit deficiency (variant B); Sphingolipidosis, Tay-Sachs; Hexosaminidase A Deficiency; HEXA Disorders; HEXA DEFICIENCY. Identifiers: Orphanet 845, MedGen C0039373, MONDO:0010100, OMIM 272800.
Tay-Sachs disease, B1 variant. Identifiers: MedGen C1848916, MONDO:0017728.

Allele frequency attached by ClinVar (database versions not stated): TOPMed below 0.00001; gnomAD 0.00001; gnomAD exomes below 0.00001.
gnomAD v4.1: 3 of 1,614,062 alleles (0.00019%); highest among the groups gnomAD compares: Non-Finnish European, 0.00025%; no homozygotes.

Submissions (6):

Natera, Inc.
Classification: Likely pathogenic for Tay-Sachs disease. Last evaluated: 2025-12-30. Review status: criteria provided, single submitter. Criteria: Natera Variant Classification Schema (03/2026). Collection method: clinical testing. Allele origin: germline.
Comment: The c.772G>C variant in HEXA is a missense variant predicted to cause substitution of aspartic acid to histidine at amino acid 258. This variant is rare in the general population with a frequency below the threshold expected for the associated phenotype(s). This variant has been observed in one or more individuals affected with the associated recessive disease, as either homozygous or compound heterozygous with a second variant (PMID: 1302612, 8111418). Functional studies show that this variant may disrupt protein function (PMID: 8995368). Computational prediction algorithms indicate this variant is likely to affect gene or protein function. Given the available evidence, this variant is classified as Likely Pathogenic.

Labcorp Genetics (formerly Invitae), Labcorp
Classification: Pathogenic for Tay-Sachs disease. Last evaluated: 2025-12-08. Review status: criteria provided, single submitter. Criteria: Invitae Variant Classification Sherloc (09022015). Collection method: clinical testing. Allele origin: germline.
Comment: This sequence change replaces aspartic acid, which is acidic and polar, with histidine, which is basic and polar, at codon 258 of the HEXA protein (p.Asp258His). This variant is present in population databases (rs121907971, gnomAD 0.002%). This missense change has been observed in individual(s) with hexosaminidase A deficiency (PMID: 1302612). In at least one individual the data is consistent with being in trans (on the opposite chromosome) from a pathogenic variant. ClinVar contains an entry for this variant (Variation ID: 3924). Invitae Evidence Modeling of protein sequence and biophysical properties (such as structural, functional, and spatial information, amino acid conservation, physicochemical variation, residue mobility, and thermodynamic stability) indicates that this missense variant is expected to disrupt HEXA protein function with a positive predictive value of 95%. For these reasons, this variant has been classified as Pathogenic.

Mayo Clinic Laboratories, Mayo Clinic
Classification: Pathogenic. Last evaluated: 2025-04-15. Review status: criteria provided, single submitter. Criteria: ACMG Guidelines, 2015. Collection method: clinical testing. Allele origin: germline. Observed: 1 variant allele.
Comment: PP3_strong, PM2_supporting, PM3_strong

Women's Health and Genetics/Laboratory Corporation of America, LabCorp
Classification: Likely pathogenic for Tay-Sachs disease. Last evaluated: 2023-04-17. Review status: criteria provided, single submitter. Criteria: LabCorp Variant Classification Summary - May 2015. Collection method: clinical testing. Allele origin: germline.
Comment: Variant summary: HEXA c.772G>C (p.Asp258His) results in a non-conservative amino acid change located in the Glycoside hydrolase family 20, catalytic domain (IPR015883) of the encoded protein sequence. Five of five in-silico tools predict a damaging effect of the variant on protein function. The variant allele was found at a frequency of 4e-06 in 251484 control chromosomes. c.772G>C has been reported in the literature as a compound heterozygous genotype in individuals affected with Tay-Sachs Disease (example, Fernandes_1992, Brewer_1993). These data indicate that the variant may be associated with disease. At least one publication reports experimental evidence evaluating an impact on protein function (example, Brewer_1993). The most pronounced variant effect results in loss of normal Hex A enzyme activity in Fibroblasts. Three clinical diagnostic laboratories have submitted clinical-significance assessments for this variant to ClinVar after 2014 without evidence for independent evaluation. All laboratories classified the variant as pathogenic/likely pathogenic. Based on the evidence outlined above, the variant was classified as likely pathogenic.

ARUP Laboratories, Molecular Genetics and Genomics, ARUP Laboratories
Classification: Likely pathogenic. Last evaluated: 2021-02-22. Review status: criteria provided, single submitter. Criteria: ARUP Molecular Germline Variant Investigation Process 2021. Collection method: clinical testing. Allele origin: germline.
Comment: The HEXA c.772G>C; p.Asp258His variant (rs121907971) is reported in the literature in the compound heterozygous state in individuals affected with Tay-Sachs disease (Fernandes 1992). This variant is also reported in ClinVar (Variation ID: 3924), and is only observed on two alleles in the Genome Aggregation Database, indicating it is not a common polymorphism. The aspartate at codon 258 is highly conserved, and computational analyses predict that this variant is deleterious (REVEL: 0.987). Based on available information, this variant is considered to be likely pathogenic. References: Fernandes M et al. A new Tay-Sachs disease B1 allele in exon 7 in two compound heterozygotes each with a second novel mutation. Hum Mol Genet. 1992 Dec;1(9):759-61.

OMIM
Classification: Pathogenic for TAY-SACHS DISEASE, B1 VARIANT. Last evaluated: 1997-05-01. Review status: no assertion criteria provided. Collection method: literature only. Allele origin: germline. Not counted in ClinVar's aggregate classification.

Literature cited by the submitters: PubMed 1302612 (cited by 4 submitters); PubMed 8111418 (cited by 3 submitters); PubMed 8995368 (cited by Natera, Inc. and Mayo Clinic Laboratories, Mayo Clinic); PubMed 24088041 (cited by Mayo Clinic Laboratories, Mayo Clinic and Women's Health and Genetics/Laboratory Corporation of America, LabCorp); PubMed 31367523 (cited by Mayo Clinic Laboratories, Mayo Clinic and Women's Health and Genetics/Laboratory Corporation of America, LabCorp); PubMed 34288098 (cited by Women's Health and Genetics/Laboratory Corporation of America, LabCorp); PubMed 8081943 (cited by Women's Health and Genetics/Laboratory Corporation of America, LabCorp); PubMed 30506202 (cited by Women's Health and Genetics/Laboratory Corporation of America, LabCorp); PubMed 9272736 (cited by OMIM).